The following is an entry in ClinVar:

NM_004621.6(TRPC6):c.68C>T (p.Ala23Val)

Gene: TRPC6 (transient receptor potential cation channel subfamily C member 6; minus strand). Cytogenetic location: 11q22.1.
Variant type: single nucleotide variant.
Coding change: c.68C>T on transcript NM_004621.6 (MANE Select); coding-DNA position 68, C replaced by T.
Protein change: p.Ala23Val; replaces alanine 23 with valine.
Molecular consequence: missense variant.
Genome position (GRCh38, 1-based): chr11:101,583,436, G>A on the plus strand (C>T on the coding strand, the complement: TRPC6 is on the minus strand). VCF-style: chr11-101583436-G-A. GRCh37 (hg19) VCF-style: chr11-101454167-G-A.
Other names: short protein forms A23V.
Identifiers: ClinVar variation 1804442 (VCV001804442.1), dbSNP rs1217863476, ClinGen allele CA382444171.
Genomic context (GRCh38, chr11:101,583,436, plus strand): 5'-CAGCCGTCTTCTCCCAGCTCCGAGTCCATGAGCAGATAGTCCTGGCTCTCGTTGCGCCGC[G>A]CAGCGGCTCCGGCAGCGCCCCGGGGAGAACTGCCCCTCCGGGGCCCGAACGCCGGGCTCT-3'
Protein context (NP_004612.2, residues 13-33): SSPRGAAGAA[Ala23Val]RRNESQDYLL

ClinVar aggregate classification (germline): Uncertain significance (1 of 4 stars; one submission).

gnomAD v4.1: 4 of 1,551,170 alleles (0.00026%); highest among the groups gnomAD compares: African/African-American, 0.0041%; no homozygotes.

Submission:

GeneDx
Classification: Uncertain significance. Last evaluated: 2022-06-19. Review status: criteria provided, single submitter. Criteria: GeneDx Variant Classification Process June 2021. Collection method: clinical testing. Allele origin: germline. Affected: yes.
Comment: Not observed at significant frequency in large population cohorts (gnomAD); In silico analysis supports that this missense variant does not alter protein structure/function; Has not been previously published as pathogenic or benign to our knowledge